The following is an entry in ClinVar:

ClinVar aggregate classification (germline): Benign (1 of 4 stars; one submission).

Allele frequency attached by ClinVar (database versions not stated): TOPMed 0.00260; gnomAD 0.00271; 1000 Genomes Project 30x 0.00406; 1000 Genomes Project 0.00419.
gnomAD v4.1: 409 of 152,248 alleles (0.27%); highest among the groups gnomAD compares: African/African-American, 0.94%; 2 homozygotes.

Submission:

CeGaT Center for Human Genetics Tuebingen
Classification: Benign. Last evaluated: 2023-03-01. Review status: criteria provided, single submitter. Criteria: CeGaT Center For Human Genetics Tuebingen Variant Classification Criteria Version 2. Collection method: clinical testing. Allele origin: germline. Affected: yes. Observed: 2 variant alleles.
Comment: ATP10A: BS1, BS2

NM_024490.4(ATP10A):c.1364-807G>A

Gene: ATP10A (ATPase phospholipid transporting 10A (putative); minus strand). Cytogenetic location: 15q12.
Variant type: single nucleotide variant.
Coding change: c.1364-807G>A on transcript NM_024490.4 (MANE Select); 807 bases into the intron before coding-DNA position 1364, G replaced by A.
Molecular consequence: intron variant.
Genome position (GRCh38, 1-based): chr15:25,719,206, C>T on the plus strand (G>A on the coding strand, the complement: ATP10A is on the minus strand). VCF-style: chr15-25719206-C-T. GRCh37 (hg19) VCF-style: chr15-25964353-C-T.
Identifiers: ClinVar variation 2645018 (VCV002645018.24), dbSNP rs75567716, ClinGen allele CA267874201.
Genomic context (GRCh38, chr15:25,719,206, plus strand): 5'-AGGATTACTTATCAGAACAACCGTTTAATCAGAACTTCAAGCACAGGCATGGTGCTGAGT[C>T]AAAGCAGCAGGGGCCTGTCAAGAGGCCGGAGAAGGAGATACTTATGGAGCCGGCCAGCCG-3'